The following is an entry in ClinVar:

ClinVar aggregate classification (germline): Benign. Review status: criteria provided, multiple submitters, no conflicts (2 of 4 stars). 2 submissions from 2 submitters: Benign (2). Last evaluated 2018-06-14.

Allele frequency attached by ClinVar (database versions not stated): 1000 Genomes Project 0.65575; 1000 Genomes Project 30x 0.65600; TOPMed 0.68858; gnomAD 0.71042 and 0.71204; gnomAD exomes 0.75708.
gnomAD v4.1: 396,858 of 533,412 alleles (74%); highest among the groups gnomAD compares: South Asian, 78%; 149,491 homozygotes.

Submissions (2):

GeneDx
Classification: Benign. Last evaluated: 2018-06-14. Review status: criteria provided, single submitter. Criteria: GeneDx Variant Classification (06012015). Collection method: clinical testing. Allele origin: germline. Affected: yes.
Comment: This variant is considered likely benign or benign based on one or more of the following criteria: it is a conservative change, it occurs at a poorly conserved position in the protein, it is predicted to be benign by multiple in silico algorithms, and/or has population frequency not consistent with disease.

Breakthrough Genomics
Classification: Benign. Review status: criteria provided, single submitter. Criteria: ACMG Guidelines, 2015. Collection method: not provided. Allele origin: germline. Inheritance: Autosomal recessive inheritance. Affected: yes.

NM_006796.3(AFG3L2):c.1779+260T>C

Gene: AFG3L2 (AFG3 like matrix AAA peptidase subunit 2; minus strand). Cytogenetic location: 18p11.21.
Variant type: single nucleotide variant.
Coding change: c.1779+260T>C on transcript NM_006796.3 (MANE Select); 260 bases into the intron after coding-DNA position 1779, T replaced by C.
Molecular consequence: intron variant.
Genome position (GRCh38, 1-based): chr18:12,343,872, A>G on the plus strand (T>C on the coding strand, the complement: AFG3L2 is on the minus strand). VCF-style: chr18-12343872-A-G. GRCh37 (hg19) VCF-style: chr18-12343871-A-G.
Identifiers: ClinVar variation 683211 (VCV000683211.2), dbSNP rs4797677, ClinGen allele CA14557318.